The following is an entry in ClinVar:

NM_000760.4(CSF3R):c.2164A>G (p.Thr722Ala)

Gene: CSF3R (colony stimulating factor 3 receptor; minus strand). Cytogenetic location: 1p34.3.
Variant type: single nucleotide variant.
Coding change: c.2164A>G on transcript NM_000760.4 (MANE Select); coding-DNA position 2164, A replaced by G.
Protein change: p.Thr722Ala; replaces threonine 722 with alanine.
Molecular consequence: missense variant.
Genome position (GRCh38, 1-based): chr1:36,466,704, T>C on the plus strand (A>G on the coding strand, the complement: CSF3R is on the minus strand). VCF-style: chr1-36466704-T-C. GRCh37 (hg19) VCF-style: chr1-36932305-T-C.
Other names: c.2245A>G, p.Thr749Ala (NM_156039.3); c.2164A>G, p.Thr722Ala (NM_172313.3); short protein forms T722A, T749A.
Identifiers: ClinVar variation 1408240 (VCV001408240.8), dbSNP rs2124096799, ClinGen allele CA339414852.
Genomic context (GRCh38, chr1:36,466,704, plus strand): 5'-ATTGGGGCTGGGTGGAAACTGCTCTTGGGTCCCCCTGGAGCACATAGGTCTGGACCAGAG[T>C]GGGGAGGCCACAGGTCTCTGAGCTGTTATGGGACTCCCAGGGCACCGGCTTCTTTTCATC-3'
Protein context (NP_000751.1, residues 712-732): HNSSETCGLP[Thr722Ala]LVQTYVLQGD

ClinVar aggregate classification (germline): Uncertain significance (1 of 4 stars; one submission).

Conditions:
Autosomal recessive severe congenital neutropenia due to CSF3R deficiency. Also called: Neutropenia, severe congenital, 7, autosomal recessive. Identifiers: Orphanet 420702, MedGen C4310764, MONDO:0014865, OMIM 617014.

Allele frequency attached by ClinVar (database versions not stated): gnomAD exomes below 0.00001.
gnomAD v4.1: 1 of 1,614,026 alleles (0.000062%); highest among the groups gnomAD compares: Admixed American, 0.0017%; no homozygotes.

Submission:

Labcorp Genetics (formerly Invitae), Labcorp
Classification: Uncertain significance for Autosomal recessive severe congenital neutropenia due to CSF3R deficiency. Last evaluated: 2023-12-11. Review status: criteria provided, single submitter. Criteria: Invitae Variant Classification Sherloc (09022015). Collection method: clinical testing. Allele origin: germline.
Comment: This sequence change replaces threonine, which is neutral and polar, with alanine, which is neutral and non-polar, at codon 722 of the CSF3R protein (p.Thr722Ala). This variant is not present in population databases (gnomAD no frequency). This variant has not been reported in the literature in individuals affected with CSF3R-related conditions. ClinVar contains an entry for this variant (Variation ID: 1408240). Advanced modeling of protein sequence and biophysical properties (such as structural, functional, and spatial information, amino acid conservation, physicochemical variation, residue mobility, and thermodynamic stability) performed at Invitae indicates that this missense variant is not expected to disrupt CSF3R protein function with a negative predictive value of 80%. In summary, the available evidence is currently insufficient to determine the role of this variant in disease. Therefore, it has been classified as a Variant of Uncertain Significance.